The following is an entry in ClinVar:

NM_001378454.1(ALMS1):c.8878C>G (p.Leu2960Val)

Gene: ALMS1 (ALMS1 centrosome and basal body associated protein; plus strand). Cytogenetic location: 2p13.1.
Variant type: single nucleotide variant.
Coding change: c.8878C>G on transcript NM_001378454.1 (MANE Select); coding-DNA position 8878, C replaced by G.
Protein change: p.Leu2960Val; replaces leucine 2960 with valine.
Molecular consequence: missense variant.
Genome position (GRCh38, 1-based): chr2:73,490,837, C>G. VCF-style: chr2-73490837-C-G. GRCh37 (hg19) VCF-style: chr2-73717964-C-G.
Other names: c.8881C>G, p.Leu2961Val (NM_015120.4); short protein forms L2960V, L2961V.
Identifiers: ClinVar variation 1764972 (VCV001764972.2), dbSNP rs771206643, ClinGen allele CA347271130.

ClinVar aggregate classification (germline): Uncertain significance (1 of 4 stars; one submission).

Conditions:
Cardiovascular phenotype. Identifiers: MedGen CN230736.

Allele frequency attached by ClinVar (database versions not stated): gnomAD 0.00001.
gnomAD v4.1: 1 of 1,613,746 alleles (0.000062%); highest among the groups gnomAD compares: African/African-American, 0.0013%; no homozygotes.

Submission:

Ambry Genetics
Classification: Uncertain significance for Cardiovascular phenotype. Last evaluated: 2021-10-27. Review status: criteria provided, single submitter. Criteria: Ambry Variant Classification Scheme 2023. Collection method: clinical testing. Allele origin: germline.
Comment: The p.L2961V variant (also known as c.8881C>G), located in coding exon 10 of the ALMS1 gene, results from a C to G substitution at nucleotide position 8881. The leucine at codon 2961 is replaced by valine, an amino acid with highly similar properties. This amino acid position is well conserved in available vertebrate species. In addition, this alteration is predicted to be tolerated by in silico analysis. Since supporting evidence is limited at this time, the clinical significance of this alteration remains unclear.